The following is an entry in ClinVar:

NM_005902.4(SMAD3):c.807C>A (p.Phe269Leu)

Gene: SMAD3 (SMAD family member 3; plus strand). Cytogenetic location: 15q22.33.
Variant type: single nucleotide variant.
Coding change: c.807C>A on transcript NM_005902.4 (MANE Select); coding-DNA position 807, C replaced by A.
Protein change: p.Phe269Leu; replaces phenylalanine 269 with leucine.
Molecular consequence: missense variant.
Genome position (GRCh38, 1-based): chr15:67,181,389, C>A. VCF-style: chr15-67181389-C-A. GRCh37 (hg19) VCF-style: chr15-67473727-C-A.
Other names: c.492C>A, p.Phe164Leu (NM_001145102.2, NM_001407016.1); c.675C>A, p.Phe225Leu (NM_001145103.2, NM_001407012.1); c.222C>A, p.Phe74Leu (NM_001145104.2, NM_001407017.1); c.807C>A, p.Phe269Leu (NM_001407011.1, NM_001407013.1); c.660C>A, p.Phe220Leu (NM_001407014.1); c.360C>A, p.Phe120Leu (NM_001407015.1); short protein forms F120L, F164L, F220L, F225L, F269L, F74L.
Identifiers: ClinVar variation 1710008 (VCV001710008.2), dbSNP rs1963052117, ClinGen allele CA392956304.
Genomic context (GRCh38, chr15:67,181,389, plus strand): 5'-CGCCTCGCAGCCATCCATGACTGTGGATGGCTTCACCGACCCCTCCAATTCGGAGCGCTT[C>A]TGCCTAGGGCTGCTCTCCAATGTCAACAGGAATGCAGCAGTGGAGCTGACACGGAGACAC-3'
Protein context (NP_005893.1, residues 259-279): GFTDPSNSER[Phe269Leu]CLGLLSNVNR

ClinVar aggregate classification (germline): Uncertain significance (1 of 4 stars; one submission).

Conditions:
Aneurysm-osteoarthritis syndrome. Also called: SMAD3-Related Loeys-Dietz Syndrome; ANEURYSMS-OSTEOARTHRITIS SYNDROME; Loeys-Dietz syndrome, type 1C; LOEYS-DIETZ SYNDROME WITH OSTEOARTHRITIS. Identifiers: Orphanet 284984, MedGen C3151087, MONDO:0013426, OMIM 613795.

Submission:

MGZ Medical Genetics Center
Classification: Uncertain significance for Aneurysm-osteoarthritis syndrome. Last evaluated: 2022-07-05. Review status: criteria provided, single submitter. Criteria: ACMG Guidelines, 2015. Collection method: clinical testing. Allele origin: germline. Affected: yes. Observed: 1 variant allele.
Comment: ACMG criteria applied: PM2_SUP, PP2, PP3